The following is an entry in ClinVar:

ClinVar aggregate classification (germline): Uncertain significance. Review status: criteria provided, multiple submitters, no conflicts (2 of 4 stars). 2 submissions from 2 submitters: Uncertain significance (2). Last evaluated 2026-06-26.

Allele frequency attached by ClinVar (database versions not stated): gnomAD exomes below 0.00001.
gnomAD v4.1: 2 of 1,612,868 alleles (0.00012%); highest among the groups gnomAD compares: South Asian, 0.0011%; no homozygotes.

Submissions (2):

Women's Health and Genetics/Laboratory Corporation of America, LabCorp
Classification: Uncertain significance. Last evaluated: 2026-06-26. Review status: criteria provided, single submitter. Criteria: LabCorp Variant Classification Summary - May 2015. Collection method: clinical testing. Allele origin: germline.

Labcorp Genetics (formerly Invitae), Labcorp
Classification: Uncertain significance. Last evaluated: 2022-09-01. Review status: criteria provided, single submitter. Criteria: Invitae Variant Classification Sherloc (09022015). Collection method: clinical testing. Allele origin: germline.
Comment: This sequence change replaces proline, which is neutral and non-polar, with serine, which is neutral and polar, at codon 300 of the C1S protein (p.Pro300Ser). This variant is present in population databases (no rsID available, gnomAD 0.003%). This variant has not been reported in the literature in individuals affected with C1S-related conditions. Algorithms developed to predict the effect of missense changes on protein structure and function (SIFT, PolyPhen-2, Align-GVGD) all suggest that this variant is likely to be tolerated. In summary, the available evidence is currently insufficient to determine the role of this variant in disease. Therefore, it has been classified as a Variant of Uncertain Significance.

NM_001734.5(C1S):c.898C>T (p.Pro300Ser)

Gene: C1S (complement C1s; plus strand). Cytogenetic location: 12p13.31.
Variant type: single nucleotide variant.
Coding change: c.898C>T on transcript NM_001734.5 (MANE Select); coding-DNA position 898, C replaced by T.
Protein change: p.Pro300Ser; replaces proline 300 with serine.
Molecular consequence: missense variant.
Genome position (GRCh38, 1-based): chr12:7,066,544, C>T. VCF-style: chr12-7066544-C-T. GRCh37 (hg19) VCF-style: chr12-7173848-C-T.
Other names: c.397C>T, p.Pro133Ser (NM_001346850.2); c.898C>T, p.Pro300Ser (NM_201442.4); short protein forms P133S, P300S.
Identifiers: ClinVar variation 1718595 (VCV001718595.6), dbSNP rs1555162263, ClinGen allele CA383698648.